The following is an entry in ClinVar:

ClinVar aggregate classification (germline): Uncertain significance. Review status: criteria provided, multiple submitters, no conflicts (2 of 4 stars). 4 submissions from 4 submitters: Uncertain significance (4). Last evaluated 2026-06-28.

Conditions:
Myofibrillar myopathy 4. Also called: Zaspopathy (type). Identifiers: Orphanet 98912, MedGen C4721886, MONDO:0012277, OMIM 609452.
Cardiovascular phenotype. Identifiers: MedGen CN230736.

Allele frequency attached by ClinVar (database versions not stated): gnomAD exomes below 0.00001; gnomAD 0.00001; TOPMed below 0.00001.
gnomAD v4.1: 7 of 1,613,902 alleles (0.00043%); highest among the groups gnomAD compares: Non-Finnish European, 0.00059%; no homozygotes.

Submissions (4):

Women's Health and Genetics/Laboratory Corporation of America, LabCorp
Classification: Uncertain significance. Last evaluated: 2026-06-28. Review status: criteria provided, single submitter. Criteria: LabCorp Variant Classification Summary - May 2015. Collection method: clinical testing. Allele origin: germline.

Ambry Genetics
Classification: Uncertain significance for Cardiovascular phenotype. Last evaluated: 2026-02-25. Review status: criteria provided, single submitter. Criteria: Ambry Variant Classification Scheme 2023. Collection method: clinical testing. Allele origin: germline.
Comment: The c.859A>G variant (also known as p.M287V), located in coding exon 5 of the LDB3 gene, results from an A to G substitution at nucleotide position 859. The amino acid change results in methionine to valine at codon 287, an amino acid with highly similar properties. This amino acid position is well conserved in available vertebrate species. In addition, the in silico prediction for this alteration is inconclusive. Based on the available evidence, the clinical significance of this variant remains unclear.

Labcorp Genetics (formerly Invitae), Labcorp
Classification: Uncertain significance for Myofibrillar myopathy 4. Last evaluated: 2025-11-05. Review status: criteria provided, single submitter. Criteria: Invitae Variant Classification Sherloc (09022015). Collection method: clinical testing. Allele origin: germline.
Comment: This sequence change replaces methionine, which is neutral and non-polar, with valine, which is neutral and non-polar, at codon 240 of the LDB3 protein (p.Met240Val). This variant is not present in population databases (gnomAD no frequency). This variant has not been reported in the literature in individuals affected with LDB3-related conditions. ClinVar contains an entry for this variant (Variation ID: 1421202). An algorithm developed to predict the effect of missense changes on protein structure and function (PolyPhen-2) suggests that this variant is likely to be tolerated. In summary, the available evidence is currently insufficient to determine the role of this variant in disease. Therefore, it has been classified as a Variant of Uncertain Significance.

Revvity Omics, Revvity
Classification: Uncertain significance. Last evaluated: 2020-09-02. Review status: criteria provided, single submitter. Criteria: ACMG Guidelines, 2015. Collection method: clinical testing. Allele origin: germline.

NM_007078.3(LDB3):c.859A>G (p.Met287Val)

Gene: LDB3 (LIM domain binding 3; plus strand). Cytogenetic location: 10q23.2.
Variant type: single nucleotide variant.
Coding change: c.859A>G on transcript NM_007078.3 (MANE Select); coding-DNA position 859, A replaced by G.
Protein change: p.Met287Val; replaces methionine 287 with valine.
Molecular consequence: missense variant.
Genome position (GRCh38, 1-based): chr10:86,692,065, A>G. VCF-style: chr10-86692065-A-G. GRCh37 (hg19) VCF-style: chr10-88451822-A-G.
Other names: c.1063A>G, p.Met355Val (NM_001171610.2, NM_001171611.2); c.859A>G, p.Met287Val (NM_001368063.1, NM_001368064.1, NM_001368065.1 and 1 more transcripts); c.718A>G, p.Met240Val (NM_001368066.1, NM_001368067.1, NM_001368068.1 and 2 more transcripts); c.859A>G (NM_007078.2); short protein forms M287V, M240V, M355V.
Identifiers: ClinVar variation 1421202 (VCV001421202.10), dbSNP rs1353972543, ClinGen allele CA377443449.
Genomic context (GRCh38, chr10:86,692,065, plus strand): 5'-TCCTCCAACCTGCAGTCTCGCTCCTTCCGCATCCTGGCCCAGATGACGGGGACAGAATTC[A>G]GTGAGTGCAGGCTCTCAGGGTGGCTGCAGAGGAGGGAGATGCTGAGGGGCCACCAGGGAC-3'
Protein context (NP_009009.1, residues 277-297): ILAQMTGTEF[Met287Val]QDPDEEALRR